The following is an entry in ClinVar:

ClinVar aggregate classification (germline): Likely benign. Review status: criteria provided, multiple submitters, no conflicts (2 of 4 stars). 4 submissions from 4 submitters: Likely benign (4). Last evaluated 2025-04-14.

Conditions:
Spastic paraplegia. Identifiers: MedGen C0037772, HP:0001258.

Allele frequency attached by ClinVar (database versions not stated): gnomAD exomes 0.00004; TOPMed 0.00004; ESP Exome Variant Server 0.00008; ExAC 0.00002; gnomAD 0.00004.
gnomAD v4.1: 112 of 1,614,098 alleles (0.0069%); highest among the groups gnomAD compares: Middle Eastern, 0.033%; 1 homozygote.

Submissions (4):

Labcorp Genetics (formerly Invitae), Labcorp
Classification: Likely benign for Spastic paraplegia. Last evaluated: 2025-04-14. Review status: criteria provided, single submitter. Criteria: Invitae Variant Classification Sherloc (09022015). Collection method: clinical testing. Allele origin: germline.

Blueprint Genetics
Classification: Likely benign. Last evaluated: 2024-02-05. Review status: criteria provided, single submitter. Criteria: ACMG Guidelines, 2015. Collection method: clinical testing. Allele origin: germline.

CeGaT Center for Human Genetics Tuebingen
Classification: Likely benign. Last evaluated: 2021-11-01. Review status: criteria provided, single submitter. Criteria: CeGaT Center For Human Genetics Tuebingen Variant Classification Criteria Version 2. Collection method: clinical testing. Allele origin: germline. Affected: yes. Observed: 1 variant allele.

GeneDx
Classification: Likely benign. Last evaluated: 2017-07-24. Review status: criteria provided, single submitter. Criteria: GeneDx Variant Classification (06012015). Collection method: clinical testing. Allele origin: germline. Affected: yes.
Comment: This variant is considered likely benign or benign based on one or more of the following criteria: it is a conservative change, it occurs at a poorly conserved position in the protein, it is predicted to be benign by multiple in silico algorithms, and/or has population frequency not consistent with disease.

NM_015346.4(ZFYVE26):c.4125G>A (p.Glu1375=)

Gene: ZFYVE26 (zinc finger FYVE-type containing 26; minus strand). Cytogenetic location: 14q24.1.
Variant type: single nucleotide variant.
Coding change: c.4125G>A on transcript NM_015346.4 (MANE Select); coding-DNA position 4125, G replaced by A.
Protein change: p.Glu1375=; no amino-acid change (glutamic acid 1375 retained).
Molecular consequence: synonymous variant.
Genome position (GRCh38, 1-based): chr14:67,783,027, C>T on the plus strand (G>A on the coding strand, the complement: ZFYVE26 is on the minus strand). VCF-style: chr14-67783027-C-T. GRCh37 (hg19) VCF-style: chr14-68249744-C-T.
Identifiers: ClinVar variation 511067 (VCV000511067.45), dbSNP rs374188915, ClinGen allele CA7239829.